The following is an entry in ClinVar:

ClinVar aggregate classification (germline): Uncertain significance. Review status: criteria provided, multiple submitters, no conflicts (2 of 4 stars). 3 submissions from 3 submitters: Uncertain significance (3). Last evaluated 2026-09-15.

Conditions:
KSR2-related disorder. Also called: KSR2-related condition.

gnomAD v4.1: 151 of 1,613,704 alleles (0.0094%); highest among the groups gnomAD compares: Admixed American, 0.017%; no homozygotes.

Submissions (3):

PreventionGenetics, part of Exact Sciences
Classification: Uncertain significance for KSR2-related condition. Last evaluated: 2026-09-15. Review status: criteria provided, single submitter. Criteria: ACMG Guidelines, 2015. Collection method: clinical testing. Allele origin: germline.
Comment: The KSR2 c.1184C>T variant is predicted to result in the amino acid substitution p.Thr395Met. To our knowledge, this variant has not been reported in the literature. This variant is reported in 0.028% of alleles in individuals of Latino descent in gnomAD. At this time, the clinical significance of this variant is uncertain due to the absence of conclusive functional and genetic evidence.

Labcorp Genetics (formerly Invitae), Labcorp
Classification: Uncertain significance. Last evaluated: 2025-10-14. Review status: criteria provided, single submitter. Criteria: Invitae Variant Classification Sherloc (09022015). Collection method: clinical testing. Allele origin: germline.
Comment: This sequence change replaces threonine, which is neutral and polar, with methionine, which is neutral and non-polar, at codon 395 of the KSR2 protein (p.Thr395Met). This variant is present in population databases (rs552480492, gnomAD 0.03%). This variant has not been reported in the literature in individuals affected with KSR2-related conditions. ClinVar contains an entry for this variant (Variation ID: 3351086). An algorithm developed to predict the effect of missense changes on protein structure and function (PolyPhen-2) suggests that this variant is likely to be tolerated. In summary, the available evidence is currently insufficient to determine the role of this variant in disease. Therefore, it has been classified as a Variant of Uncertain Significance.

Ambry Genetics
Classification: Uncertain significance. Last evaluated: 2025-10-07. Review status: criteria provided, single submitter. Criteria: Ambry Variant Classification Scheme 2023. Collection method: clinical testing. Allele origin: germline.

NM_173598.6(KSR2):c.1271C>T (p.Thr424Met)

Gene: KSR2 (kinase suppressor of ras 2; minus strand). Cytogenetic location: 12q24.22.
Variant type: single nucleotide variant.
Coding change: c.1271C>T on transcript NM_173598.6 (MANE Select); coding-DNA position 1271, C replaced by T.
Protein change: p.Thr424Met; replaces threonine 424 with methionine.
Molecular consequence: missense variant.
Genome position (GRCh38, 1-based): chr12:117,579,173, G>A on the plus strand (C>T on the coding strand, the complement: KSR2 is on the minus strand). VCF-style: chr12-117579173-G-A. GRCh37 (hg19) VCF-style: chr12-118016978-G-A.
Other names: short protein forms T424M.
Identifiers: ClinVar variation 3351086 (VCV003351086.4).